The following is an entry in ClinVar:

NM_001297.5(CNGB1):c.139G>A (p.Glu47Lys)

Gene: CNGB1 (cyclic nucleotide gated channel subunit beta 1; minus strand). Cytogenetic location: 16q21.
Variant type: single nucleotide variant.
Coding change: c.139G>A on transcript NM_001297.5 (MANE Select); coding-DNA position 139, G replaced by A.
Protein change: p.Glu47Lys; replaces glutamic acid 47 with lysine.
Molecular consequence: missense variant.
Genome position (GRCh38, 1-based): chr16:57,967,148, C>T on the plus strand (G>A on the coding strand, the complement: CNGB1 is on the minus strand). VCF-style: chr16-57967148-C-T. GRCh37 (hg19) VCF-style: chr16-58001052-C-T.
Other names: c.139G>A, p.Glu47Lys (NM_001135639.2, NM_001286130.2); short protein forms E47K.
Identifiers: ClinVar variation 320113 (VCV000320113.17), dbSNP rs78149232, ClinGen allele CA8083997.

ClinVar aggregate classification (germline): Conflicting classifications of pathogenicity. Review status: criteria provided, conflicting classifications (1 of 4 stars). 5 submissions from 5 submitters: Uncertain significance (2); Benign (1); Likely benign (1). 1 of the submissions does not count toward it. Last evaluated 2026-01-25.

Conditions:
CNGB1-related disorder. Also called: CNGB1-related condition.
Retinitis pigmentosa (RP). Identifiers: Orphanet 791, MedGen C0035334, MeSH D012174, MONDO:0019200, OMIM 268000. Inheritance: Autosomal dominant, autosomal recessive and X linked inheritance.
Retinal dystrophy. Also called: Inherited retinal dystrophy. Identifiers: Orphanet 71862, MedGen C0854723, MeSH D058499, MONDO:0019118, HP:0000556.

Allele frequency attached by ClinVar (database versions not stated): gnomAD exomes 0.00015 and 0.00047; gnomAD 0.00018 and 0.00023; TOPMed 0.00025; ExAC 0.00045; 1000 Genomes Project 0.00060; 1000 Genomes Project 30x 0.00078.
gnomAD v4.1: 272 of 1,614,200 alleles (0.017%); highest among the groups gnomAD compares: East Asian, 0.41%; 1 homozygote.

Submissions (5):

Labcorp Genetics (formerly Invitae), Labcorp
Classification: Benign. Last evaluated: 2026-01-25. Review status: criteria provided, single submitter. Criteria: Invitae Variant Classification Sherloc (09022015). Collection method: clinical testing. Allele origin: germline.

Blueprint Genetics
Classification: Likely benign. Last evaluated: 2024-11-13. Review status: criteria provided, single submitter. Criteria: ACMG Guidelines, 2015. Collection method: clinical testing. Allele origin: germline.

Dept Of Ophthalmology, Nagoya University
Classification: Uncertain significance for Retinal dystrophy. Last evaluated: 2023-10-01. Review status: criteria provided, single submitter. Criteria: Submitter's publication. Collection method: research. Allele origin: germline. Affected: yes.

Illumina Laboratory Services, Illumina
Classification: Uncertain significance for Retinitis pigmentosa. Last evaluated: 2018-01-13. Review status: criteria provided, single submitter. Criteria: ICSL Variant Classification Criteria 13 December 2019. Collection method: clinical testing. Allele origin: germline.

PreventionGenetics, part of Exact Sciences
Classification: Likely benign for CNGB1-related condition. Last evaluated: 2021-03-08. Review status: no assertion criteria provided. Collection method: clinical testing. Allele origin: germline. Not counted in ClinVar's aggregate classification.
Comment: This variant is classified as likely benign based on ACMG/AMP sequence variant interpretation guidelines (Richards et al. 2015 PMID: 25741868, with internal and published modifications).